The following is an entry in ClinVar:

NM_207122.2(EXT2):c.1080-1G>A

Gene: EXT2 (exostosin glycosyltransferase 2; plus strand). Cytogenetic location: 11p11.2.
Variant type: single nucleotide variant.
Coding change: c.1080-1G>A on transcript NM_207122.2 (MANE Select); the canonical splice acceptor site of the intron before coding-DNA position 1080, G replaced by A.
Molecular consequence: splice acceptor variant.
Genome position (GRCh38, 1-based): chr11:44,130,044, G>A. VCF-style: chr11-44130044-G-A. GRCh37 (hg19) VCF-style: chr11-44151594-G-A.
Other names: c.1080-1G>A (NM_001389630.1, NM_001178083.3, NM_001389628.1); c.1179-1G>A (NM_000401.3).
Identifiers: ClinVar variation 1378644 (VCV001378644.6), dbSNP rs2135029007, ClinGen allele CA380170233.

ClinVar aggregate classification (germline): Pathogenic (1 of 4 stars; one submission).

Conditions:
Exostoses, multiple, type 2 (EXT2). Also called: Hereditary Multiple Osteochondromatosis, Type II; EXOSTOSES, MULTIPLE, TYPE II. Identifiers: Orphanet 321, MedGen C1851413, MONDO:0007586, OMIM 133701.

Submission:

Labcorp Genetics (formerly Invitae), Labcorp
Classification: Pathogenic for Exostoses, multiple, type 2. Last evaluated: 2025-02-02. Review status: criteria provided, single submitter. Criteria: Invitae Variant Classification Sherloc (09022015). Collection method: clinical testing. Allele origin: germline.
Comment: This sequence change affects an acceptor splice site in intron 6 of the EXT2 gene. It is expected to disrupt RNA splicing. Variants that disrupt the donor or acceptor splice site typically lead to a loss of protein function (PMID: 16199547), and loss-of-function variants in EXT2 are known to be pathogenic (PMID: 10679937, 19810120). This variant is not present in population databases (gnomAD no frequency). Disruption of this splice site has been observed in individual(s) with multiple osteochondromas (PMID: 15586175; internal data). ClinVar contains an entry for this variant (Variation ID: 1378644). Algorithms developed to predict the effect of sequence changes on RNA splicing suggest that this variant may disrupt the consensus splice site. For these reasons, this variant has been classified as Pathogenic.

Literature cited by the submitters: PubMed 16199547; PubMed 10679937; PubMed 19810120; PubMed 15586175.